The following is an entry in ClinVar:

NM_001366900.1(TTC21A):c.974A>G (p.Tyr325Cys)

Gene: TTC21A (tetratricopeptide repeat domain 21A; plus strand). Cytogenetic location: 3p22.2.
Variant type: single nucleotide variant.
Coding change: c.974A>G on transcript NM_001366900.1 (MANE Select); coding-DNA position 974, A replaced by G.
Protein change: p.Tyr325Cys; replaces tyrosine 325 with cysteine.
Molecular consequence: missense variant. On other transcripts: non-coding transcript variant (3).
Genome position (GRCh38, 1-based): chr3:39,121,070, A>G. VCF-style: chr3-39121070-A-G. GRCh37 (hg19) VCF-style: chr3-39162561-A-G.
Other names: c.851A>G, p.Tyr284Cys (NM_001105513.3); c.998A>G, p.Tyr333Cys (NM_001366899.1, NM_145755.3); short protein forms Y284C, Y325C, Y333C.
Identifiers: ClinVar variation 3053795 (VCV003053795.2), dbSNP rs201536754, ClinGen allele CA2324246.

ClinVar aggregate classification (germline): Benign (0 of 4 stars; one submission).

Conditions:
TTC21A-related disorder. Also called: TTC21A-related condition.

Allele frequency attached by ClinVar (database versions not stated): 1000 Genomes Project 30x 0.00031; ESP Exome Variant Server 0.00033; 1000 Genomes Project 0.00040; gnomAD exomes 0.00075; gnomAD 0.00092; ExAC 0.00098; TOPMed 0.00112.
gnomAD v4.1: 1,302 of 1,614,094 alleles (0.081%); highest among the groups gnomAD compares: Middle Eastern, 0.97%; 4 homozygotes.

Submission:

PreventionGenetics, part of Exact Sciences
Classification: Benign for TTC21A-related condition. Last evaluated: 2019-11-08. Review status: no assertion criteria provided. Collection method: clinical testing. Allele origin: germline.
Comment: This variant is classified as benign based on ACMG/AMP sequence variant interpretation guidelines (Richards et al. 2015 PMID: 25741868, with internal and published modifications).